The following is an entry in ClinVar:

NM_005732.4(RAD50):c.3182A>G (p.Glu1061Gly)

Gene: RAD50 (RAD50 double strand break repair protein; plus strand). Cytogenetic location: 5q31.1.
Variant type: single nucleotide variant.
Coding change: c.3182A>G on transcript NM_005732.4 (MANE Select); coding-DNA position 3182, A replaced by G.
Protein change: p.Glu1061Gly; replaces glutamic acid 1061 with glycine.
Molecular consequence: missense variant.
Genome position (GRCh38, 1-based): chr5:132,618,087, A>G. VCF-style: chr5-132618087-A-G. GRCh37 (hg19) VCF-style: chr5-131953779-A-G.
Other names: short protein forms E1061G.
Identifiers: ClinVar variation 232263 (VCV000232263.17), dbSNP rs876659658, ClinGen allele CA10578593.
Genomic context (GRCh38, chr5:132,618,087, plus strand): 5'-AAGCTAAAAAATGGTCCTCATTTGTCATTTTTCTTTTTTACAGTGAACATCAGAAGTTGG[A>G]AGAGAACATAGACAATATAAAAAGAAATCATAATTTGGCATTAGGGCGACAGAAAGGTTA-3'
Protein context (NP_005723.2, residues 1051-1071): LQMKSEHQKL[Glu1061Gly]ENIDNIKRNH

ClinVar aggregate classification (germline): Uncertain significance. Review status: criteria provided, multiple submitters, no conflicts (2 of 4 stars). 3 submissions from 3 submitters: Uncertain significance (3). Last evaluated 2025-08-09.

Conditions:
Hereditary cancer-predisposing syndrome. Also called: Neoplastic Syndromes, Hereditary; Hereditary Cancer Syndrome; Tumor predisposition; Hereditary neoplastic syndrome. Identifiers: Orphanet 140162, MedGen C0027672, MeSH D009386, MONDO:0015356.

gnomAD v4.1: 3 of 1,613,414 alleles (0.00019%); highest among the groups gnomAD compares: Non-Finnish European, 0.000085%; no homozygotes.

Submissions (3):

Ambry Genetics
Classification: Uncertain significance for Hereditary cancer-predisposing syndrome. Last evaluated: 2025-08-09. Review status: criteria provided, single submitter. Criteria: Ambry Variant Classification Scheme 2023. Collection method: clinical testing. Allele origin: germline.
Comment: The p.E1061G variant (also known as c.3182A>G), located in coding exon 21 of the RAD50 gene, results from an A to G substitution at nucleotide position 3182. The glutamic acid at codon 1061 is replaced by glycine, an amino acid with similar properties. This amino acid position is well conserved in available vertebrate species. In addition, this alteration is predicted to be tolerated by in silico analysis. Since supporting evidence is limited at this time, the clinical significance of this alteration remains unclear.

Blueprint Genetics
Classification: Uncertain significance. Last evaluated: 2024-02-27. Review status: criteria provided, single submitter. Criteria: ACMG Guidelines, 2015. Collection method: clinical testing. Allele origin: germline.

Labcorp Genetics (formerly Invitae), Labcorp
Classification: Uncertain significance for Hereditary cancer-predisposing syndrome. Last evaluated: 2022-10-08. Review status: criteria provided, single submitter. Criteria: Invitae Variant Classification Sherloc (09022015). Collection method: clinical testing. Allele origin: germline.
Comment: ClinVar contains an entry for this variant (Variation ID: 232263). This variant has not been reported in the literature in individuals affected with RAD50-related conditions. This variant is not present in population databases (gnomAD no frequency). This sequence change replaces glutamic acid, which is acidic and polar, with glycine, which is neutral and non-polar, at codon 1061 of the RAD50 protein (p.Glu1061Gly). In summary, the available evidence is currently insufficient to determine the role of this variant in disease. Therefore, it has been classified as a Variant of Uncertain Significance. Advanced modeling of protein sequence and biophysical properties (such as structural, functional, and spatial information, amino acid conservation, physicochemical variation, residue mobility, and thermodynamic stability) performed at Invitae indicates that this missense variant is expected to disrupt RAD50 protein function.